The following is an entry in ClinVar:

ClinVar aggregate classification (germline): Conflicting classifications of pathogenicity. Review status: criteria provided, conflicting classifications (1 of 4 stars). 4 submissions from 4 submitters: Uncertain significance (3); Likely benign (1). Last evaluated 2024-11-11.

Conditions:
Inborn genetic diseases. Identifiers: MedGen C0950123, MeSH D030342.

Allele frequency attached by ClinVar (database versions not stated): TOPMed 0.00003; gnomAD 0.00019.
gnomAD v4.1: 31 of 1,613,124 alleles (0.0019%); highest among the groups gnomAD compares: Admixed American, 0.015%; no homozygotes.

Submissions (4):

Labcorp Genetics (formerly Invitae), Labcorp
Classification: Uncertain significance. Last evaluated: 2024-11-11. Review status: criteria provided, single submitter. Criteria: Invitae Variant Classification Sherloc (09022015). Collection method: clinical testing. Allele origin: germline.
Comment: This sequence change replaces arginine, which is basic and polar, with cysteine, which is neutral and slightly polar, at codon 302 of the MYO7A protein (p.Arg302Cys). This variant is present in population databases (no rsID available, gnomAD 0.02%). This missense change has been observed in individual(s) with deafness (PMID: 34515852). ClinVar contains an entry for this variant (Variation ID: 504970). An algorithm developed to predict the effect of missense changes on protein structure and function outputs the following: PolyPhen-2: "Possibly Damaging". The cysteine amino acid residue is found in multiple mammalian species, which suggests that this missense change does not adversely affect protein function. In summary, the available evidence is currently insufficient to determine the role of this variant in disease. Therefore, it has been classified as a Variant of Uncertain Significance.

Ambry Genetics
Classification: Uncertain significance for Inborn genetic diseases. Last evaluated: 2024-10-01. Review status: criteria provided, single submitter. Criteria: Ambry Variant Classification Scheme 2023. Collection method: clinical testing. Allele origin: germline.

GeneDx
Classification: Uncertain significance. Last evaluated: 2023-10-12. Review status: criteria provided, single submitter. Criteria: GeneDx Variant Classification Process June 2021. Collection method: clinical testing. Allele origin: germline. Affected: yes.
Comment: In silico analysis supports that this missense variant has a deleterious effect on protein structure/function; Has not been previously published as pathogenic or benign to our knowledge

Laboratory for Molecular Medicine, Mass General Brigham Personalized Medicine
Classification: Likely benign. Last evaluated: 2016-06-28. Review status: criteria provided, single submitter. Criteria: LMM Criteria. Collection method: clinical testing. Allele origin: germline. Observed: 1 variant allele.
Comment: p.Arg302Cys in exon 9 of MYO7A: This variant is not expected to have clinical si gnificance because the arginine (Arg) at position 302 is not conserved through s pecies with two mammals (Golden mole and hedgehog) having a cysteine (Cys) at th is position. In addition, a different variant affecting the same amino acid res idue (p.Arg302His) has been identified in 0.6% (381/64792) of European chromosom es by the Exome Aggregation Consortium (ExAC; db SNP rs41298135). This information collectively indicates that the p.Arg302Cys va riant likely to tolerated and it is therefore likely benign.

Literature cited by the submitters: PubMed 34515852 (cited by Labcorp Genetics (formerly Invitae), Labcorp).

NM_000260.4(MYO7A):c.904C>T (p.Arg302Cys)

Gene: MYO7A (myosin VIIA; plus strand). Cytogenetic location: 11q13.5.
Variant type: single nucleotide variant.
Coding change: c.904C>T on transcript NM_000260.4 (MANE Select); coding-DNA position 904, C replaced by T.
Protein change: p.Arg302Cys; replaces arginine 302 with cysteine.
Molecular consequence: missense variant.
Genome position (GRCh38, 1-based): chr11:77,158,331, C>T. VCF-style: chr11-77158331-C-T. GRCh37 (hg19) VCF-style: chr11-76869377-C-T.
Other names: c.904C>T, p.Arg302Cys (NM_001127180.2); c.871C>T, p.Arg291Cys (NM_001369365.1); short protein forms R302C, R291C.
Identifiers: ClinVar variation 504970 (VCV000504970.9), dbSNP rs781922871, ClinGen allele CA381932965.